The following is an entry in ClinVar:

NM_000089.4(COL1A2):c.1475T>C (p.Ile492Thr)

Gene: COL1A2 (collagen type I alpha 2 chain; plus strand). Cytogenetic location: 7q21.3.
Variant type: single nucleotide variant.
Coding change: c.1475T>C on transcript NM_000089.4 (MANE Select); coding-DNA position 1475, T replaced by C.
Protein change: p.Ile492Thr; replaces isoleucine 492 with threonine.
Molecular consequence: missense variant.
Genome position (GRCh38, 1-based): chr7:94,412,654, T>C. VCF-style: chr7-94412654-T-C. GRCh37 (hg19) VCF-style: chr7-94041966-T-C.
Other names: short protein forms I492T.
Identifiers: ClinVar variation 1163007 (VCV001163007.10), dbSNP rs761529493, ClinGen allele CA4347071.

ClinVar aggregate classification (germline): Uncertain significance. Review status: criteria provided, multiple submitters, no conflicts (2 of 4 stars). 4 submissions from 4 submitters: Uncertain significance (4). Last evaluated 2025-03-21.

Conditions:
Osteogenesis imperfecta (OI). Identifiers: Orphanet 666, MedGen C0029434, MeSH D010013, MONDO:0019019.

Allele frequency attached by ClinVar (database versions not stated): gnomAD 0.00001; ExAC 0.00002.
gnomAD v4.1: 27 of 1,613,994 alleles (0.0017%); highest among the groups gnomAD compares: South Asian, 0.025%; no homozygotes.

Submissions (4):

Women's Health and Genetics/Laboratory Corporation of America, LabCorp
Classification: Uncertain significance. Last evaluated: 2025-03-21. Review status: criteria provided, single submitter. Criteria: LabCorp Variant Classification Summary - May 2015. Collection method: clinical testing. Allele origin: germline.
Comment: Variant summary: COL1A2 c.1475T>C (p.Ile492Thr) results in a non-conservative amino acid change in the encoded protein sequence. Four of five in-silico tools predict a damaging effect of the variant on protein function. The variant allele was found at a frequency of 1.6e-05 in 250856 control chromosomes. The available data on variant occurrences in the general population are insufficient to allow any conclusion about variant significance. To our knowledge, no occurrence of c.1475T>C in individuals affected with Ehlers-Danlos syndrome, cardiac valvular type and no experimental evidence demonstrating its impact on protein function have been reported. ClinVar contains an entry for this variant (Variation ID: 1163007). Based on the evidence outlined above, the variant was classified as uncertain significance.

GeneDx
Classification: Uncertain significance. Last evaluated: 2023-12-11. Review status: criteria provided, single submitter. Criteria: GeneDx Variant Classification Process June 2021. Collection method: clinical testing. Allele origin: germline. Affected: yes.
Comment: Has not been previously published as pathogenic or benign to our knowledge; Not observed at significant frequency in large population cohorts (gnomAD); In silico analysis supports that this missense variant does not alter protein structure/function; Occurs in the triple helical domain at the Y position in the canonical Gly-X-Y repeat; although this variant may have an effect on normal protein folding and function, missense substitution at the Y position is not a common mechanism of disease (HGMD); Also known as p.(I402T)

Genome Diagnostics Laboratory, The Hospital for Sick Children
Classification: Uncertain significance for Osteogenesis imperfecta. Last evaluated: 2020-07-09. Review status: criteria provided, single submitter. Criteria: ACMG Guidelines, 2015. Collection method: clinical testing. Allele origin: germline.

Mayo Clinic Laboratories, Mayo Clinic
Classification: Uncertain significance. Last evaluated: 2020-06-11. Review status: criteria provided, single submitter. Criteria: ACMG Guidelines, 2015. Collection method: clinical testing. Allele origin: germline. Observed: 1 variant allele.